The following is an entry in ClinVar:

ClinVar aggregate classification (germline): Pathogenic/Likely pathogenic. Review status: criteria provided, multiple submitters, no conflicts (2 of 4 stars). 4 submissions from 4 submitters: Pathogenic (2); Likely pathogenic (1). 1 of the submissions does not count toward it. Last evaluated 2025-09-11.

Conditions:
KRIT1-related disorder. Also called: KRIT1-related disorders; KRIT1-related condition.
Cerebral cavernous malformation (CCM). Also called: Cavernous Hemangioma of Brain; CAVERNOUS ANGIOMA, FAMILIAL; CAVERNOUS ANGIOMATOUS MALFORMATIONS; CEREBRAL CAPILLARY MALFORMATIONS; Cerebral cavernous hemangioma (type); Cerebral cavernous malformations. Identifiers: Orphanet 221061, MedGen C2919945, MONDO:0000820, OMIM 116860, HP:0033522.

Submissions (4):

GeneDx
Classification: Pathogenic. Last evaluated: 2025-09-11. Review status: criteria provided, single submitter. Criteria: GeneDx Variant Classification Process June 2021. Collection method: clinical testing. Allele origin: germline.
Comment: Nonsense variant predicted to result in protein truncation or nonsense mediated decay in a gene for which loss of function is a known mechanism of disease; Not observed at significant frequency in large population cohorts (gnomAD); Also known as c.192 G>A p.(W64X); This variant is associated with the following publications: (PMID: 25525159, 11222804)

MGZ Medical Genetics Center
Classification: Likely pathogenic for Cerebral cavernous malformation. Last evaluated: 2022-07-29. Review status: criteria provided, single submitter. Criteria: ACMG Guidelines, 2015. Collection method: clinical testing. Allele origin: germline. Affected: yes. Observed: 1 variant allele.
Comment: ACMG criteria applied: PVS1, PM2_SUP

Blueprint Genetics
Classification: Pathogenic for KRIT1-related disorders. Last evaluated: 2021-04-23. Review status: criteria provided, single submitter. Criteria: ACMG Guidelines, 2015. Collection method: clinical testing. Allele origin: germline. Affected: yes. Observed: 1 variant allele.

PreventionGenetics, part of Exact Sciences
Classification: Pathogenic for KRIT1-related condition. Last evaluated: 2024-07-04. Review status: no assertion criteria provided. Collection method: clinical testing. Allele origin: germline. Not counted in ClinVar's aggregate classification.
Comment: The KRIT1 c.813G>A variant is predicted to result in premature protein termination (p.Trp271*). This variant was reported in an individual with cerebral cavernous malformations (variant referred to as 92G>A W64X in Davenport et al 2001. PubMed ID: 11222804). This variant has not been reported in a large population database, indicating this variant is rare. Nonsense variants in KRIT1 are expected to be pathogenic. This variant is interpreted as pathogenic.

NM_194454.3(KRIT1):c.813G>A (p.Trp271Ter)

Gene: KRIT1 (KRIT1 ankyrin repeat containing; minus strand). Cytogenetic location: 7q21.2.
Variant type: single nucleotide variant.
Coding change: c.813G>A on transcript NM_194454.3 (MANE Select); coding-DNA position 813, G replaced by A.
Protein change: p.Trp271Ter; replaces tryptophan 271 with a stop codon.
Molecular consequence: nonsense.
Genome position (GRCh38, 1-based): chr7:92,234,840, C>T on the plus strand (G>A on the coding strand, the complement: KRIT1 is on the minus strand). VCF-style: chr7-92234840-C-T. GRCh37 (hg19) VCF-style: chr7-91864154-C-T.
Other names: c.813G>A, p.Trp271Ter (NM_001013406.2, NM_001350669.1, NM_001350670.1 and 29 more transcripts); c.99G>A, p.Trp33Ter (NM_001350671.1); short protein forms W271*, W33*.
Identifiers: ClinVar variation 1709563 (VCV001709563.6), dbSNP rs2536012456, ClinGen allele CA368158487.